The following is an entry in ClinVar:

ClinVar aggregate classification (germline): Uncertain significance (1 of 4 stars; one submission).

Conditions:
Hereditary cancer-predisposing syndrome. Also called: Tumor predisposition; Hereditary neoplastic syndrome; Neoplastic Syndromes, Hereditary; Hereditary Cancer Syndrome. Identifiers: Orphanet 140162, MedGen C0027672, MeSH D009386, MONDO:0015356.

Submission:

Ambry Genetics
Classification: Uncertain significance for Hereditary cancer-predisposing syndrome. Last evaluated: 2025-04-06. Review status: criteria provided, single submitter. Criteria: Ambry Variant Classification Scheme 2023. Collection method: clinical testing. Allele origin: germline.
Comment: The p.R431S variant (also known as c.1293G>C), located in coding exon 6 of the BLM gene, results from a G to C substitution at nucleotide position 1293. The arginine at codon 431 is replaced by serine, an amino acid with dissimilar properties. This amino acid position is conserved. In addition, this alteration is predicted to be tolerated by in silico analysis. Based on the available evidence, the clinical significance of this variant remains unclear.

NM_000057.4(BLM):c.1293G>C (p.Arg431Ser)

Gene: BLM (BLM RecQ like helicase; plus strand). Cytogenetic location: 15q26.1.
Variant type: single nucleotide variant.
Coding change: c.1293G>C on transcript NM_000057.4 (MANE Select); coding-DNA position 1293, G replaced by C.
Protein change: p.Arg431Ser; replaces arginine 431 with serine.
Molecular consequence: missense variant.
Genome position (GRCh38, 1-based): chr15:90,760,666, G>C. VCF-style: chr15-90760666-G-C. GRCh37 (hg19) VCF-style: chr15-91303896-G-C.
Other names: c.1293G>C, p.Arg431Ser (NM_001287246.2, NM_001287247.2); c.168G>C, p.Arg56Ser (NM_001287248.2); short protein forms R431S, R56S.
Identifiers: ClinVar variation 3991636 (VCV003991636.1).